The following is an entry in ClinVar:

ClinVar aggregate classification (germline): Likely benign. Review status: criteria provided, multiple submitters, no conflicts (2 of 4 stars). 4 submissions from 4 submitters: Likely benign (4). Last evaluated 2026-04-27.

Conditions:
Cardiovascular phenotype. Identifiers: MedGen CN230736.
Cardiac arrhythmia. Also called: Cardiac rhythm disease; Arrhythmia. Identifiers: MedGen C0003811, MONDO:0007263, HP:0011675.
Long QT syndrome (LQTS). Identifiers: MedGen C0023976, MeSH D008133, MONDO:0002442. Disease mechanism: loss of function. Inheritance: Various modes of inheritance.

Allele frequency attached by ClinVar (database versions not stated): gnomAD 0.00002; gnomAD exomes below 0.00001 and 0.00002; TOPMed 0.00002; ExAC 0.00003.
gnomAD v4.1: 10 of 1,613,802 alleles (0.00062%); highest among the groups gnomAD compares: Non-Finnish European, 0.00076%; no homozygotes.

Submissions (4):

Ambry Genetics
Classification: Likely benign for Cardiovascular phenotype. Last evaluated: 2026-04-27. Review status: criteria provided, single submitter. Criteria: Ambry Variant Classification Scheme 2023. Collection method: clinical testing. Allele origin: germline.

Labcorp Genetics (formerly Invitae), Labcorp
Classification: Likely benign for Long QT syndrome. Last evaluated: 2025-05-12. Review status: criteria provided, single submitter. Criteria: Invitae Variant Classification Sherloc (09022015). Collection method: clinical testing. Allele origin: germline.

All of Us Research Program, National Institutes of Health
Classification: Likely benign for Long QT syndrome. Last evaluated: 2023-12-07. Review status: criteria provided, single submitter. Criteria: ACMG Guidelines, 2015. Collection method: clinical testing. Allele origin: germline. Inheritance: Autosomal dominant inheritance. Observed: 4 variant alleles, 4 heterozygotes.
Comment: This study involves interpretation of variants in research participants for the purpose of population health screening. Participant phenotype was not available at the time of variant classification. Additional details can be found in publication PMID: 35346344, PMCID: PMC8962531

Color Diagnostics, LLC DBA Color Health
Classification: Likely benign for Arrhythmia. Last evaluated: 2019-05-16. Review status: criteria provided, single submitter. Criteria: ACMG Guidelines, 2015. Collection method: clinical testing. Allele origin: germline.

NM_000238.4(KCNH2):c.1551T>C (p.Ser517=)

Gene: KCNH2 (potassium voltage-gated channel subfamily H member 2; minus strand). Cytogenetic location: 7q36.1.
Variant type: single nucleotide variant.
Coding change: c.1551T>C on transcript NM_000238.4 (MANE Select); coding-DNA position 1551, T replaced by C.
Protein change: p.Ser517=; no amino-acid change (serine 517 retained).
Molecular consequence: synonymous variant. On other transcripts: non-coding transcript variant (2).
Genome position (GRCh38, 1-based): chr7:150,952,431, A>G on the plus strand (T>C on the coding strand, the complement: KCNH2 is on the minus strand). VCF-style: chr7-150952431-A-G. GRCh37 (hg19) VCF-style: chr7-150649519-A-G.
Other names: c.531T>C, p.Ser177= (NM_001204798.2, NM_172057.3); c.1263T>C, p.Ser421= (NM_001406753.1, NM_001406756.1); c.1374T>C, p.Ser458= (NM_001406755.1); c.1251T>C, p.Ser417= (NM_001406757.1); c.1551T>C, p.Ser517= (NM_172056.3).
Identifiers: ClinVar variation 456890 (VCV000456890.17), dbSNP rs770283713, ClinGen allele CA028411.